The following is an entry in ClinVar:

ClinVar aggregate classification (germline): Likely pathogenic (1 of 4 stars; one submission).

Conditions:
Glycogen storage disease, type V (GSD5). Also called: MCARDLE DISEASE; MUSCLE GLYCOGEN PHOSPHORYLASE DEFICIENCY; MYOPHOSPHORYLASE DEFICIENCY; PYGM DEFICIENCY; McArdle type glycogen storage disease. Identifiers: Orphanet 368, MedGen C0017924, MONDO:0009293, OMIM 232600.

Allele frequency attached by ClinVar (database versions not stated): gnomAD exomes 0.00002.
gnomAD v4.1: 23 of 1,598,634 alleles (0.0014%); highest among the groups gnomAD compares: Non-Finnish European, 0.002%; no homozygotes.

Submission:

Labcorp Genetics (formerly Invitae), Labcorp
Classification: Likely pathogenic for Glycogen storage disease, type V. Last evaluated: 2024-01-28. Review status: criteria provided, single submitter. Criteria: Invitae Variant Classification Sherloc (09022015). Collection method: clinical testing. Allele origin: germline.
Comment: This sequence change affects an acceptor splice site in intron 1 of the PYGM gene. It is expected to disrupt RNA splicing. Variants that disrupt the donor or acceptor splice site typically lead to a loss of protein function (PMID: 16199547), and loss-of-function variants in PYGM are known to be pathogenic (PMID: 8316268, 16786513). This variant is not present in population databases (gnomAD no frequency). This variant has not been reported in the literature in individuals affected with PYGM-related conditions. ClinVar contains an entry for this variant (Variation ID: 1068299). Algorithms developed to predict the effect of sequence changes on RNA splicing suggest that this variant may disrupt the consensus splice site. In summary, the currently available evidence indicates that the variant is pathogenic, but additional data are needed to prove that conclusively. Therefore, this variant has been classified as Likely Pathogenic.

Literature cited by the submitters: PubMed 16199547; PubMed 8316268; PubMed 16786513.

NM_005609.4(PYGM):c.244-1G>A

Gene: PYGM (glycogen phosphorylase, muscle associated; minus strand). Cytogenetic location: 11q13.1.
Variant type: single nucleotide variant.
Coding change: c.244-1G>A on transcript NM_005609.4 (MANE Select); the canonical splice acceptor site of the intron before coding-DNA position 244, G replaced by A.
Molecular consequence: splice acceptor variant. On other transcripts: intron variant (1).
Genome position (GRCh38, 1-based): chr11:64,758,705, C>T on the plus strand (G>A on the coding strand, the complement: PYGM is on the minus strand). VCF-style: chr11-64758705-C-T. GRCh37 (hg19) VCF-style: chr11-64526177-C-T.
Other names: c.244-439G>A (NM_001164716.1).
Identifiers: ClinVar variation 1068299 (VCV001068299.7), dbSNP rs2135840980, ClinGen allele CA381111639.